The following is an entry in ClinVar:

ClinVar aggregate classification (germline): Uncertain significance (1 of 4 stars; one submission).

gnomAD v4.1: 2 of 1,614,126 alleles (0.00012%); highest among the groups gnomAD compares: Non-Finnish European, 0.00017%; no homozygotes.

Submission:

GeneDx
Classification: Uncertain significance. Last evaluated: 2026-02-08. Review status: criteria provided, single submitter. Criteria: GeneDx Variant Classification Process June 2021. Collection method: clinical testing. Allele origin: germline.
Comment: Not observed at significant frequency in large population cohorts (gnomAD); In silico analysis suggests that this missense variant does not alter protein structure/function; Has not been previously published as pathogenic or benign to our knowledge

NM_001291303.3(FAT4):c.10801A>T (p.Thr3601Ser)

Gene: FAT4 (FAT atypical cadherin 4; plus strand). Cytogenetic location: 4q28.1.
Variant type: single nucleotide variant.
Coding change: c.10801A>T on transcript NM_001291303.3 (MANE Select); coding-DNA position 10801, A replaced by T.
Protein change: p.Thr3601Ser; replaces threonine 3601 with serine.
Molecular consequence: missense variant.
Genome position (GRCh38, 1-based): chr4:125,451,811, A>T. VCF-style: chr4-125451811-A-T. GRCh37 (hg19) VCF-style: chr4-126372966-A-T.
Other names: c.10801A>T, p.Thr3601Ser (NM_001291285.3); c.10795A>T, p.Thr3599Ser (NM_024582.6); short protein forms T3599S, T3601S.
Identifiers: ClinVar variation 3897467 (VCV003897467.2).